The following is an entry in ClinVar:

NM_001355436.2(SPTB):c.1008C>T (p.Gly336=)

Gene: SPTB (spectrin beta, erythrocytic; minus strand). Cytogenetic location: 14q23.3.
Variant type: single nucleotide variant.
Coding change: c.1008C>T on transcript NM_001355436.2 (MANE Select); coding-DNA position 1008, C replaced by T.
Protein change: p.Gly336=; no amino-acid change (glycine 336 retained).
Molecular consequence: synonymous variant.
Genome position (GRCh38, 1-based): chr14:64,799,803, G>A on the plus strand (C>T on the coding strand, the complement: SPTB is on the minus strand). VCF-style: chr14-64799803-G-A. GRCh37 (hg19) VCF-style: chr14-65266521-G-A.
Other names: c.1008C>T (NM_001024858.2); c.1008C>T, p.Gly336= (NM_001024858.4, NM_001355437.2).
Identifiers: ClinVar variation 2189438 (VCV002189438.6), dbSNP rs764083535, ClinGen allele CA7231257.

ClinVar aggregate classification (germline): Likely benign. Review status: criteria provided, single submitter (1 of 4 stars). 2 submissions from 2 submitters: Likely benign (1). 1 of the submissions does not count toward it. Last evaluated 2024-11-11.

Conditions:
SPTB-related disorder. Also called: SPTB-related condition; SPTB-Related Disorders.

Allele frequency attached by ClinVar (database versions not stated): ExAC 0.00003; gnomAD exomes 0.00003; gnomAD 0.00006.
gnomAD v4.1: 53 of 1,614,252 alleles (0.0033%); highest among the groups gnomAD compares: Middle Eastern, 0.12%; no homozygotes.

Submissions (2):

Labcorp Genetics (formerly Invitae), Labcorp
Classification: Likely benign. Last evaluated: 2024-11-11. Review status: criteria provided, single submitter. Criteria: Invitae Variant Classification Sherloc (09022015). Collection method: clinical testing. Allele origin: germline.

PreventionGenetics, part of Exact Sciences
Classification: Likely benign for SPTB-related condition. Last evaluated: 2019-02-19. Review status: no assertion criteria provided. Collection method: clinical testing. Allele origin: germline. Not counted in ClinVar's aggregate classification.
Comment: This variant is classified as likely benign based on ACMG/AMP sequence variant interpretation guidelines (Richards et al. 2015 PMID: 25741868, with internal and published modifications).